The following is an entry in ClinVar:

NM_020937.4(FANCM):c.4478G>A (p.Arg1493Lys)

Gene: FANCM (FA complementation group M; plus strand). Cytogenetic location: 14q21.2.
Variant type: single nucleotide variant.
Coding change: c.4478G>A on transcript NM_020937.4 (MANE Select); coding-DNA position 4478, G replaced by A.
Protein change: p.Arg1493Lys; replaces arginine 1493 with lysine.
Molecular consequence: missense variant.
Genome position (GRCh38, 1-based): chr14:45,183,865, G>A. VCF-style: chr14-45183865-G-A. GRCh37 (hg19) VCF-style: chr14-45653068-G-A.
Other names: c.4400G>A, p.Arg1467Lys (NM_001308133.2); short protein forms R1467K, R1493K.
Identifiers: ClinVar variation 4022632 (VCV004022632.1).

ClinVar aggregate classification (germline): Uncertain significance (1 of 4 stars; one submission).

Conditions:
Inborn genetic diseases. Identifiers: MedGen C0950123, MeSH D030342.

Submission:

Ambry Genetics
Classification: Uncertain significance for Inborn genetic diseases. Last evaluated: 2025-03-30. Review status: criteria provided, single submitter. Criteria: Ambry Variant Classification Scheme 2023. Collection method: clinical testing. Allele origin: germline.
Comment: The p.R1493K variant (also known as c.4478G>A), located in coding exon 17 of the FANCM gene, results from a G to A substitution at nucleotide position 4478. The arginine at codon 1493 is replaced by lysine, an amino acid with highly similar properties. This amino acid position is conserved. In addition, this alteration is predicted to be tolerated by in silico analysis. Based on the available evidence, the clinical significance of this variant remains unclear.